The following is an entry in ClinVar:

NM_001184880.2(PCDH19):c.438G>A (p.Thr146=)

Gene: PCDH19 (protocadherin 19; minus strand). Cytogenetic location: Xq22.1.
Variant type: single nucleotide variant.
Coding change: c.438G>A on transcript NM_001184880.2 (MANE Select); coding-DNA position 438, G replaced by A.
Protein change: p.Thr146=; no amino-acid change (threonine 146 retained).
Molecular consequence: synonymous variant.
Genome position (GRCh38, 1-based): chrX:100,408,160, C>T on the plus strand (G>A on the coding strand, the complement: PCDH19 is on the minus strand). VCF-style: chrX-100408160-C-T. GRCh37 (hg19) VCF-style: chrX-99663158-C-T.
Other names: c.438G>A, p.Thr146= (NM_001105243.2, NM_020766.3).
Identifiers: ClinVar variation 510050 (VCV000510050.4), dbSNP rs776584913, ClinGen allele CA517748777.

ClinVar aggregate classification (germline): Likely benign. Review status: criteria provided, multiple submitters, no conflicts (2 of 4 stars). 2 submissions from 2 submitters: Likely benign (2). Last evaluated 2023-04-22.

Conditions:
Developmental and epileptic encephalopathy, 9 (DEE9). Also called: Early infantile epileptic encephalopathy 9; JUBERG-HELLMAN SYNDROME; EPILEPSY, FEMALE-RESTRICTED, WITH MENTAL RETARDATION; PCDH19-Related X-Linked Female-Limited Epilepsy with Mental Retardation. Identifiers: Orphanet 101039, Orphanet 2076, MedGen C1848137, MONDO:0010246, OMIM 300088. Disease mechanism: loss of function.

Allele frequency attached by ClinVar (database versions not stated): TOPMed 0.00001.
gnomAD v4.1: 14 of 1,210,806 alleles (0.0012%); highest among the groups gnomAD compares: African/African-American, 0.0017%; no homozygotes.

Submissions (2):

Labcorp Genetics (formerly Invitae), Labcorp
Classification: Likely benign for Developmental and epileptic encephalopathy, 9. Last evaluated: 2023-04-22. Review status: criteria provided, single submitter. Criteria: Invitae Variant Classification Sherloc (09022015). Collection method: clinical testing. Allele origin: germline.

GeneDx
Classification: Likely benign. Last evaluated: 2017-06-08. Review status: criteria provided, single submitter. Criteria: GeneDx Variant Classification (06012015). Collection method: clinical testing. Allele origin: germline. Affected: yes.
Comment: This variant is considered likely benign or benign based on one or more of the following criteria: it is a conservative change, it occurs at a poorly conserved position in the protein, it is predicted to be benign by multiple in silico algorithms, and/or has population frequency not consistent with disease.